The following is an entry in ClinVar:

ClinVar aggregate classification (germline): Likely benign (1 of 4 stars; one submission).

gnomAD v4.1: 8 of 1,613,694 alleles (0.0005%); highest among the groups gnomAD compares: South Asian, 0.0011%; no homozygotes.

Submission:

CeGaT Center for Human Genetics Tuebingen
Classification: Likely benign. Last evaluated: 2025-02-01. Review status: criteria provided, single submitter. Criteria: CeGaT Center For Human Genetics Tuebingen Variant Classification Criteria Version 2. Collection method: clinical testing. Allele origin: germline. Affected: yes. Observed: 1 variant allele.
Comment: TTN: BP4, BP7

NM_001267550.2(TTN):c.28263G>A (p.Thr9421=)

Gene: TTN (titin; minus strand). Cytogenetic location: 2q31.2.
Variant type: single nucleotide variant.
Coding change: c.28263G>A on transcript NM_001267550.2 (MANE Select); coding-DNA position 28263, G replaced by A.
Protein change: p.Thr9421=; no amino-acid change (threonine 9421 retained).
Molecular consequence: synonymous variant. On other transcripts: intron variant (3).
Genome position (GRCh38, 1-based): chr2:178,710,834, C>T on the plus strand (G>A on the coding strand, the complement: TTN is on the minus strand). VCF-style: chr2-178710834-C-T. GRCh37 (hg19) VCF-style: chr2-179575561-C-T.
Other names: c.27312G>A, p.Thr9104= (NM_001256850.1); c.24531G>A, p.Thr8177= (NM_133378.4); c.13282+27248G>A (NM_003319.4); c.13858+27248G>A (NM_133437.4); c.13657+27248G>A (NM_133432.3).
Identifiers: ClinVar variation 3771919 (VCV003771919.13).